The following is an entry in ClinVar:

NM_000135.4(FANCA):c.3917_3918del (p.Phe1306fs)

Genes: ZNF276 (zinc finger protein 276; plus strand), FANCA (FA complementation group A; minus strand). Cytogenetic location: 16q24.3.
Variant type: Deletion.
Coding change: c.3917_3918del on transcript NM_000135.4 (MANE Select); coding-DNA positions 3917 to 3918, 2 bases deleted (TT; older notation c.3917_3918delTT).
Protein change: p.Phe1306fs; shifts the reading frame from phenylalanine 1306.
Molecular consequence: frameshift variant. On other transcripts: 3 prime UTR variant (2), non-coding transcript variant (4).
Genome position (GRCh38, 1-based): chr16:89,740,010-89,740,011, AA deleted on the plus strand (TT on the coding strand, the reverse complement: FANCA is on the minus strand); deleting any 2 consecutive bases within chr16:89,740,010-89,740,012 gives the same sequence; the c. name uses the placement nearest the transcript's 3' end. VCF-style (leftmost placement, unchanged base first): chr16-89740009-GAA-G. GRCh37 (hg19) VCF-style: chr16-89806417-GAA-G.
Other names: c.3916_3917delTT, p.Phe1306Serfs (NM_000135.2); c.3917_3918del, p.Phe1306fs (NM_001286167.3); c.*1765_*1766del (NM_001113525.2, NM_152287.4); c.3917_3918delTT (NM_000135.3); short protein forms F1306fs.
Identifiers: ClinVar variation 974356 (VCV000974356.2), dbSNP rs1281446470, ClinGen allele CA725756325.

ClinVar aggregate classification (germline): Pathogenic. Review status: criteria provided, single submitter (1 of 4 stars). 2 submissions from 2 submitters: Pathogenic (1). 1 of the submissions does not count toward it. Last evaluated 2024-06-13.

Conditions:
Fanconi anemia complementation group A (FANCA). Also called: Fanconi anemia, group A; FANCA-Related Fanconi Anemia. Identifiers: Orphanet 84, MedGen C3469521, MONDO:0009215, OMIM 227650.
Fanconi anemia (FA). Also called: Fanconi's anemia. Identifiers: Orphanet 84, MedGen C0015625, MeSH D005199, MONDO:0019391.

Submissions (2):

Natera, Inc.
Classification: Pathogenic for Fanconi anemia. Last evaluated: 2024-06-13. Review status: criteria provided, single submitter. Criteria: Natera Variant Classification Schema (03/2026). Collection method: clinical testing. Allele origin: germline.
Comment: The c.3917_3918delTT variant in FANCA is a frameshift variant predicted to shift the reading frame beginning at codon 1306 and leads to a stop codon 6 codons downstream. This variant is expected to result in nonsense mediated decay, truncation, or a dysfunctional protein product. This variant is rare in the general population with a frequency below the threshold expected for the associated phenotype(s). This variant has been observed in one or more individuals affected with the associated recessive disease, as either homozygous or compound heterozygous with a second variant (PMID: 19278965). Given the available evidence, this variant is classified as Pathogenic.

Leiden Open Variation Database
Classification: Pathogenic for Fanconi anemia complementation group A. Last evaluated: 2020-02-28. Review status: no assertion criteria provided. Collection method: curation. Allele origin: germline. Affected: yes. Not counted in ClinVar's aggregate classification.
Comment: Curator: Arleen D. Auerbach. Submitter to LOVD: Arleen D. Auerbach.

Literature cited by the submitters: PubMed 19278965 (cited by Natera, Inc.).